The following is an entry in ClinVar:

ClinVar aggregate classification (germline): Conflicting classifications of pathogenicity. Review status: criteria provided, conflicting classifications (1 of 4 stars). 14 submissions from 13 submitters: Uncertain significance (2); Likely benign (11). 1 of the submissions does not count toward it. Last evaluated 2026-06-01.

Conditions:
RYR2-related disorder. Also called: RYR2-related condition.
Cardiovascular phenotype. Identifiers: MedGen CN230736.
Cardiomyopathy (CMYO). Also called: Cardiomyopathies. Identifiers: Orphanet 167848, MedGen C0878544, MONDO:0004994, HP:0001638. Inheritance: Various modes of inheritance.
Catecholaminergic polymorphic ventricular tachycardia 1. Also called: VENTRICULAR TACHYCARDIA, CATECHOLAMINERGIC POLYMORPHIC, 1, WITH OR WITHOUT ATRIAL DYSFUNCTION AND/OR DILATED CARDIOMYOPATHY; VENTRICULAR TACHYCARDIA, STRESS-INDUCED POLYMORPHIC 1; RYR2-Related Catecholaminergic Polymorphic Ventricular Tachycardia. Identifiers: Orphanet 3286, MedGen C1631597, MONDO:0011484, OMIM 604772.
Arrhythmogenic right ventricular dysplasia 2. Identifiers: MedGen C1832931.

Allele frequency attached by ClinVar (database versions not stated): ExAC 0.00022; gnomAD exomes 0.00035 and 0.00067; gnomAD 0.00038; TOPMed 0.00050; ESP Exome Variant Server 0.00075.
gnomAD v4.1: 1,038 of 1,613,548 alleles (0.064%); highest among the groups gnomAD compares: Non-Finnish European, 0.082%; 2 homozygotes.

Submissions (14):

CeGaT Center for Human Genetics Tuebingen
Classification: Likely benign. Last evaluated: 2026-06-01. Review status: criteria provided, single submitter. Criteria: CeGaT Center For Human Genetics Tuebingen Variant Classification Criteria Version 2. Collection method: clinical testing. Allele origin: germline. Affected: yes. Observed: 3 variant alleles.
Comment: RYR2: BS2

Labcorp Genetics (formerly Invitae), Labcorp
Classification: Likely benign for Catecholaminergic polymorphic ventricular tachycardia 1. Last evaluated: 2026-02-04. Review status: criteria provided, single submitter. Criteria: Invitae Variant Classification Sherloc (09022015). Collection method: clinical testing. Allele origin: germline.

Women's Health and Genetics/Laboratory Corporation of America, LabCorp
Classification: Likely benign. Last evaluated: 2025-04-15. Review status: criteria provided, single submitter. Criteria: LabCorp Variant Classification Summary - May 2015. Collection method: clinical testing. Allele origin: germline.
Comment: Variant summary: RYR2 c.12919C>T (p.Arg4307Cys) results in a non-conservative amino acid change in the encoded protein sequence. Three of five in-silico tools predict a damaging effect of the variant on protein function. The variant allele was found at a frequency of 0.00035 in 248746 control chromosomes, predominantly at a frequency of 0.00065 within the Non-Finnish European subpopulation in the gnomAD database, including 1 homozygotes. The observed variant frequency within Non-Finnish European control individuals in the gnomAD database is approximately 20 fold of the estimated maximal expected allele frequency for a pathogenic variant in RYR2 causing Catecholaminergic Polymorphic Ventricular Tachycardia phenotype (3.4e-05). c.12919C>T has been reported in the literature in individuals affected with palpitations and prolong QT (Olubando_2020) and in a pediatric cohort with dilated/hypertrophic cardiomyopathy (Burstein_2021). In both instances, the variant was considered benign or of uncertain significance, therefore these reports do not provide unequivocal conclusions about association of the variant with Catecholaminergic Polymorphic Ventricular Tachycardia. To our knowledge, no experimental evidence demonstrating an impact on protein function has been reported. ClinVar contains an entry for this variant (Variation ID: 191546). Based on the evidence outlined above, the variant was classified as likely benign.

Molecular Diagnostic Laboratory for Inherited Cardiovascular Disease, Montreal Heart Institute
Classification: Likely benign. Last evaluated: 2025-04-08. Review status: criteria provided, single submitter. Criteria: ACMG Guidelines, 2015. Collection method: clinical testing. Allele origin: germline. Affected: no.
Comment: PP2, BS1, BP4, BP6

Blueprint Genetics
Classification: Likely benign. Last evaluated: 2024-09-10. Review status: criteria provided, single submitter. Criteria: ACMG Guidelines, 2015. Collection method: clinical testing. Allele origin: germline.

ARUP Laboratories, Molecular Genetics and Genomics, ARUP Laboratories
Classification: Likely benign. Last evaluated: 2023-11-03. Review status: criteria provided, single submitter. Criteria: ARUP Molecular Germline Variant Investigation Process 2024. Collection method: clinical testing. Allele origin: germline.

GeneDx
Classification: Likely benign. Last evaluated: 2022-11-15. Review status: criteria provided, single submitter. Criteria: GeneDx Variant Classification Process June 2021. Collection method: clinical testing. Allele origin: germline. Affected: yes.
Comment: See Variant Classification Assertion Criteria.

Ambry Genetics
Classification: Likely benign for Cardiovascular phenotype. Last evaluated: 2021-01-05. Review status: criteria provided, single submitter. Criteria: Ambry Variant Classification Scheme 2023. Collection method: clinical testing. Allele origin: germline.

Color Diagnostics, LLC DBA Color Health
Classification: Likely benign for Cardiomyopathy. Last evaluated: 2019-11-17. Review status: criteria provided, single submitter. Criteria: ACMG Guidelines, 2015. Collection method: clinical testing. Allele origin: germline.

Illumina Laboratory Services, Illumina
Classification: Likely benign for Catecholaminergic polymorphic ventricular tachycardia 1. Last evaluated: 2017-04-27. Review status: criteria provided, single submitter. Criteria: ICSL Variant Classification Criteria 13 December 2019. Collection method: clinical testing. Allele origin: germline.
Comment: This variant was observed as part of a predisposition screen in an ostensibly healthy population. A literature search was performed for the gene, cDNA change, and amino acid change (where applicable). Publications were found based on this search. The evidence from the literature, in combination with allele frequency data from public databases where available, was sufficient to determine this variant is unlikely to cause disease. Therefore, this variant is classified as likely benign.

Illumina Laboratory Services, Illumina
Classification: Uncertain significance for Catecholaminergic polymorphic ventricular tachycardia 1. Last evaluated: 2017-04-27. Review status: criteria provided, single submitter. Criteria: ICSL Variant Classification Criteria 13 December 2019. Collection method: clinical testing. Allele origin: germline.
Comment: This variant was observed as part of a predisposition screen in an ostensibly healthy population. A literature search was performed for the gene, cDNA change, and amino acid change (where applicable). Publications were found based on this search. However, the evidence from the literature, in combination with allele frequency data from public databases where available, was not sufficient to rule this variant in or out of causing disease. Therefore, this variant is classified as a variant of unknown significance.

Laboratory for Molecular Medicine, Mass General Brigham Personalized Medicine
Classification: Uncertain significance. Last evaluated: 2015-07-30. Review status: criteria provided, single submitter. Criteria: LMM Criteria. Collection method: clinical testing. Allele origin: germline. Observed: 1 variant allele.
Comment: The p.Arg4307Cys variant in RYR2 has been reported in the literature once withou t additional information (Medeiros-Domingo 2009). It has been identified in 22/6 6676 European chromosomes by the Exome Aggregation Consortium (ExAC .; dbSNP rs200092869). Computational prediction tools and cons ervation analysis do not provide strong support for or against an impact to the protein. In summary, the clinical significance of the p.Arg4307Cys variant is un certain.

Biesecker Lab/Clinical Genomics Section, National Institutes of Health
Classification: Likely benign. Last evaluated: 2013-06-24. Review status: criteria provided, single submitter. Criteria: Ng et al. (Circ Cardiovasc Genet. 2013). Collection method: research. Allele origin: unknown. Observed: 2 variant alleles. Study: ClinSeq.
Comment: The study set was not selected for affection status in relation to any cancer. Pathogenicity categories were based on literature curation. See Pubmed ID:23861362 for details.

Medical sequencing

PreventionGenetics, part of Exact Sciences
Classification: Likely benign for RYR2-related condition. Last evaluated: 2023-03-28. Review status: no assertion criteria provided. Collection method: clinical testing. Allele origin: germline. Not counted in ClinVar's aggregate classification.
Comment: This variant is classified as likely benign based on ACMG/AMP sequence variant interpretation guidelines (Richards et al. 2015 PMID: 25741868, with internal and published modifications).

Literature cited by the submitters: PubMed 32152366 (cited by Women's Health and Genetics/Laboratory Corporation of America, LabCorp); PubMed 32746448 (cited by Women's Health and Genetics/Laboratory Corporation of America, LabCorp); PubMed 35932045 (cited by Women's Health and Genetics/Laboratory Corporation of America, LabCorp); PubMed 19926015 (cited by 3 submitters); PubMed 23861362 (cited by Ambry Genetics); PubMed 24025405 (cited by Ambry Genetics); PubMed 27538377 (cited by Ambry Genetics); PubMed 27930701 (cited by Ambry Genetics); PubMed 28404607 (cited by Ambry Genetics); PubMed 28771489 (cited by Ambry Genetics).

NM_001035.3(RYR2):c.12919C>T (p.Arg4307Cys)

Genes: RYR2 (ryanodine receptor 2; plus strand), LOC126806068 (BRD4-independent group 4 enhancer GRCh37_chr1:237947411-237948610; plus strand). Cytogenetic location: 1q43.
Variant type: single nucleotide variant.
Coding change: c.12919C>T on transcript NM_001035.3 (MANE Select); coding-DNA position 12919, C replaced by T.
Protein change: p.Arg4307Cys; replaces arginine 4307 with cysteine.
Molecular consequence: missense variant.
Genome position (GRCh38, 1-based): chr1:237,784,631, C>T. VCF-style: chr1-237784631-C-T. GRCh37 (hg19) VCF-style: chr1-237947931-C-T.
Other names: p.R4307C:CGC>TGC; short protein forms R4307C.
Identifiers: ClinVar variation 191546 (VCV000191546.45), dbSNP rs200092869, ClinGen allele CA007750.
Genomic context (GRCh38, chr1:237,784,631, plus strand): 5'-TACTGGAGTATTTTCATGACCCTCTTGCACTTCGTGGCCAGCGTTTTCAGAGGCTTTTTC[C>T]GCATCATTTGCAGCCTGCTGCTTGGGGGAAGCCTCGTCGAAGGTGCTAAAAAGATCAAAG-3'
Protein context (NP_001026.2, residues 4297-4317): FVASVFRGFF[Arg4307Cys]IICSLLLGGS